The following is an entry in ClinVar:

ClinVar aggregate classification (germline): Likely benign (1 of 4 stars; one submission).

Conditions:
PAX6-related disorder. Also called: PAX6-related disorders; PAX6-related condition.

Submission:

PreventionGenetics, part of Exact Sciences
Classification: Likely benign for PAX6-related condition. Last evaluated: 2025-11-19. Review status: criteria provided, single submitter. Criteria: ACMG Guidelines, 2015. Collection method: clinical testing. Allele origin: germline.
Comment: This variant is classified as likely benign based on ACMG/AMP sequence variant interpretation guidelines (Richards et al. 2015 PMID: 25741868, with internal and published modifications).

NM_001368894.2(PAX6):c.184-22dup

Gene: PAX6 (paired box 6; minus strand). Cytogenetic location: 11p13.
Variant type: Duplication.
Coding change: c.184-22dup on transcript NM_001368894.2 (MANE Select); 22 bases into the intron before coding-DNA position 184, one base duplicated (T; older notation c.184-22dupT).
Molecular consequence: intron variant.
Genome position (GRCh38, 1-based): chr11:31,801,798, A duplicated on the plus strand (T on the coding strand, the reverse complement: PAX6 is on the minus strand); the first of 4 consecutive A bases (chr11:31,801,798-31,801,801); duplicating any one gives the same sequence. VCF-style (leftmost placement, unchanged base first): chr11-31801797-G-GA. GRCh37 (hg19) VCF-style: chr11-31823345-G-GA.
Other names: c.142-22dup (NM_001127612.3, NM_001368890.2, NM_001368888.2 and 11 more transcripts); c.184-22dup (NM_001368921.2, NM_001368923.2, NM_001258462.3 and 13 more transcripts); c.259-22dup (NM_001368919.2, NM_001368918.2); c.385-22dup (NM_001368910.2); c.-267-22dup (NM_001368909.2, NM_001368904.2, NM_001368906.2 and 8 more transcripts); c.187-22dup (NM_001368911.2); c.-598-22dup (NM_001368905.2, NM_001310160.2, NM_001368902.2); c.217-22dup (NM_001368920.2).
Identifiers: ClinVar variation 4990451 (VCV004990451.1).
Genomic context (GRCh38, chr11:31,801,797, plus strand): 5'-AATACCTGCCCAGAATTTTACTCACACATCCGTTGGACACCTGCATAGGGGAAGTGGACA[G>GA]AAAACCACATTATTAATAATTTCAAGACAAAAATAAAATTGTTTAAGTATGCATTAAACA-3'